The following is an entry in ClinVar:

NM_002691.4(POLD1):c.2210C>G (p.Ser737Cys)

Gene: POLD1 (DNA polymerase delta 1, catalytic subunit; plus strand). Cytogenetic location: 19q13.33.
Variant type: single nucleotide variant.
Coding change: c.2210C>G on transcript NM_002691.4 (MANE Select); coding-DNA position 2210, C replaced by G.
Protein change: p.Ser737Cys; replaces serine 737 with cysteine.
Molecular consequence: missense variant. On other transcripts: non-coding transcript variant (1).
Genome position (GRCh38, 1-based): chr19:50,413,481, C>G. VCF-style: chr19-50413481-C-G. GRCh37 (hg19) VCF-style: chr19-50916738-C-G.
Other names: c.2210C>G, p.Ser737Cys (NM_001256849.1); c.2288C>G, p.Ser763Cys (NM_001308632.1); short protein forms S737C, S763C.
Identifiers: ClinVar variation 3891284 (VCV003891284.1).

ClinVar aggregate classification (germline): Uncertain significance (1 of 4 stars; one submission).

Conditions:
Hereditary cancer-predisposing syndrome. Also called: Tumor predisposition; Neoplastic Syndromes, Hereditary; Hereditary Cancer Syndrome; Hereditary neoplastic syndrome. Identifiers: Orphanet 140162, MedGen C0027672, MeSH D009386, MONDO:0015356.

Submission:

Ambry Genetics
Classification: Uncertain significance for Hereditary cancer-predisposing syndrome. Last evaluated: 2025-03-10. Review status: criteria provided, single submitter. Criteria: Ambry Variant Classification Scheme 2023. Collection method: clinical testing. Allele origin: germline.
Comment: The p.S737C variant (also known as c.2210C>G), located in coding exon 17 of the POLD1 gene, results from a C to G substitution at nucleotide position 2210. The serine at codon 737 is replaced by cysteine, an amino acid with dissimilar properties. This amino acid position is well conserved in available vertebrate species. In addition, this alteration is predicted to be tolerated by in silico analysis. Based on the available evidence, the clinical significance of this variant remains unclear.